The following is an entry in ClinVar:

NM_021098.3(CACNA1H):c.2146G>T (p.Gly716Cys)

Gene: CACNA1H (calcium voltage-gated channel subunit alpha1 H; plus strand). Cytogenetic location: 16p13.3.
Variant type: single nucleotide variant.
Coding change: c.2146G>T on transcript NM_021098.3 (MANE Select); coding-DNA position 2146, G replaced by T.
Protein change: p.Gly716Cys; replaces glycine 716 with cysteine.
Molecular consequence: missense variant.
Genome position (GRCh38, 1-based): chr16:1,204,153, G>T. VCF-style: chr16-1204153-G-T. GRCh37 (hg19) VCF-style: chr16-1254153-G-T.
Other names: c.2146G>T, p.Gly716Cys (NM_001005407.2); short protein forms G716C.
Identifiers: ClinVar variation 386311 (VCV000386311.2), dbSNP rs187225648, ClinGen allele CA16606881.

ClinVar aggregate classification (germline): Uncertain significance (1 of 4 stars; one submission).

Submission:

GeneDx
Classification: Uncertain significance. Last evaluated: 2016-05-12. Review status: criteria provided, single submitter. Criteria: GeneDx Variant Classification (06012015). Collection method: clinical testing. Allele origin: germline. Affected: yes.
Comment: The G716C variant in the CACNA1H gene has not been reported previously as a pathogenic variant, nor as a benign variant, to our knowledge. The G716C variant was not observed in approximately 6400 individuals of European and African American ancestry in the NHLBI Exome Sequencing Project, indicating it is not a common benign variant in these populations. The G716C variant is a non-conservative amino acid substitution, which is likely to impact secondary protein structure as these residues differ in polarity, charge, size and/or other properties. This substitution occurs at a position that is not conserved. In silico analysis is inconsistent in its predictions as to whether or not the variant is damaging to the protein structure/function. We interpret G716C as a variant of uncertain significance.